The following is an entry in ClinVar:

ClinVar aggregate classification (germline): Pathogenic (1 of 4 stars; one submission).

Conditions:
Inborn genetic diseases. Identifiers: MedGen C0950123, MeSH D030342.

Submission:

Ambry Genetics
Classification: Pathogenic for Inborn genetic diseases. Last evaluated: 2024-09-17. Review status: criteria provided, single submitter. Criteria: Ambry Variant Classification Scheme 2023. Collection method: clinical testing. Allele origin: germline.
Comment: The c.5739_5740dupAG (p.A1914Efs*15) alteration, located in exon 39 (coding exon 39) of the CACNA1A gene, consists of a duplication of AG at position 5739, causing a translational frameshift with a predicted alternate stop codon after 15 amino acids. This alteration is expected to result in loss of function by premature protein truncation or nonsense-mediated mRNA decay. for CACNA1A-related neurologic disorder; however, it is unlikely to be causative of CACNA1A-related spinocerebellar ataxia This variant was not reported in population-based cohorts in the Genome Aggregation Database (gnomAD). Based on the available evidence, this alteration is classified as pathogenic.

NM_001127222.2(CACNA1A):c.5736_5737dup (p.Ala1913fs)

Gene: CACNA1A (calcium voltage-gated channel subunit alpha1 A; minus strand). Cytogenetic location: 19p13.13.
Variant type: Duplication.
Coding change: c.5736_5737dup on transcript NM_001127222.2 (MANE Select); coding-DNA positions 5736 to 5737, 2 bases duplicated (AG; older notation c.5736_5737dupAG).
Protein change: p.Ala1913fs; shifts the reading frame from alanine 1913.
Molecular consequence: frameshift variant.
Genome position (GRCh38, 1-based): chr19:13,214,603-13,214,604, CT duplicated on the plus strand (AG on the coding strand, the reverse complement: CACNA1A is on the minus strand); duplicating any 2 consecutive bases within chr19:13,214,603-13,214,605 gives the same sequence; the c. name uses the placement nearest the transcript's 3' end. VCF-style (leftmost placement, unchanged base first): chr19-13214602-G-GCT. GRCh37 (hg19) VCF-style: chr19-13325416-G-GCT.
Other names: c.5754_5755dup, p.Ala1919fs (NM_000068.4, NM_023035.3); c.5739_5740dup, p.Ala1914fs (NM_001127221.2); c.5745_5746dup, p.Ala1916fs (NM_001174080.2); c.5739_5740dupAG (NM_001127221.1); short protein forms A1913fs, A1914fs, A1916fs, A1919fs.
Identifiers: ClinVar variation 3483910 (VCV003483910.1).
Genomic context (GRCh38, chr19:13,214,602, plus strand): 5'-AGATTGGGCCAAATCGCCATCATCTCCTTCCGCAGCTCAGCGTCCATCTGCTGTTTGTCG[G>GCT]CTCCTCCTGCAATGGGGGTGTAGACAGACCCTGACTGCCTGCCTGGGTGTCAGCTGGACT-3'